The following is an entry in ClinVar:

ClinVar aggregate classification (germline): Pathogenic (1 of 4 stars; one submission).

Conditions:
Tuberous sclerosis 2 (TSC2). Identifiers: Orphanet 805, MedGen C1860707, MONDO:0013199, OMIM 613254.

Submission:

Labcorp Genetics (formerly Invitae), Labcorp
Classification: Pathogenic for Tuberous sclerosis 2. Last evaluated: 2017-11-19. Review status: criteria provided, single submitter. Criteria: Invitae Variant Classification Sherloc (09022015). Collection method: clinical testing. Allele origin: germline.
Comment: For these reasons, this variant has been classified as Pathogenic. Loss-of-function variants in TSC2 are known to be pathogenic (PMID: 10205261, 17304050). This variant has not been reported in the literature in individuals with TSC2-related disease. This variant is not present in population databases (ExAC no frequency). This sequence change creates a premature translational stop signal at codon 1689 (p.Arg1688_Lys1689delinsSer*) in the TSC2 gene. It is expected to result in an absent or disrupted protein product.

Literature cited by the submitters: PubMed 10205261; PubMed 17304050.

NM_000548.5(TSC2):c.5064_5065delinsTT (p.Arg1688_Lys1689delinsSerTer)

Gene: TSC2 (TSC complex subunit 2; plus strand). Cytogenetic location: 16p13.3.
Variant type: Indel.
Coding change: c.5064_5065delinsTT on transcript NM_000548.5 (MANE Select); coding-DNA positions 5064 to 5065, GA replaced by TT.
Protein change: p.Arg1688_Lys1689delinsSerTer.
Molecular consequence: nonsense.
Genome position (GRCh38, 1-based): chr16:2,087,937-2,087,938, GA replaced by TT. VCF-style: chr16-2087937-GA-TT. GRCh37 (hg19) VCF-style: chr16-2137938-GA-TT.
Other names: c.4863_4864delinsTT, p.Arg1621_Lys1622delinsSerTer (NM_001077183.3); c.4995_4996delinsTT, p.Arg1665_Lys1666delinsSerTer (NM_001114382.3); c.4755_4756delinsTT, p.Arg1585_Lys1586delinsSerTer (NM_001318827.2); c.4719_4720delinsTT, p.Arg1573_Lys1574delinsSerTer (NM_001318829.2); c.4332_4333delinsTT, p.Arg1444_Lys1445delinsSerTer (NM_001318831.2); c.4896_4897delinsTT, p.Arg1632_Lys1633delinsSerTer (NM_001318832.2); c.4866_4867delinsTT, p.Arg1622_Lys1623delinsSerTer (NM_001363528.2); c.4932_4933delinsTT, p.Arg1644_Lys1645delinsSerTer (NM_001370404.1); and 1 more.
Identifiers: ClinVar variation 535874 (VCV000535874.6), dbSNP rs1555439847, ClinGen allele CA658798495.
Genomic context (GRCh38, chr16:2,087,937, plus strand): 5'-TGTCCACGTGATCGTCACCCCGCTGGACTACGAGTGCAACCTGGTGTCCCTGCAGTGCAG[GA>TT]AAGGTAGGGCCGGGTGGGGCCCTGCAGTGCAGGAAAGGTAGGGCCGGGTGGGGCCCTGCA-3'